The following is an entry in ClinVar:

ClinVar aggregate classification (germline): Uncertain significance (1 of 4 stars; one submission).

gnomAD v4.1: 16 of 1,589,546 alleles (0.001%); highest among the groups gnomAD compares: Non-Finnish European, 0.0014%; no homozygotes.

Submission:

Labcorp Genetics (formerly Invitae), Labcorp
Classification: Uncertain significance. Last evaluated: 2024-10-08. Review status: criteria provided, single submitter. Criteria: Invitae Variant Classification Sherloc (09022015). Collection method: clinical testing. Allele origin: germline.
Comment: This sequence change replaces serine, which is neutral and polar, with alanine, which is neutral and non-polar, at codon 13 of the LEMD3 protein (p.Ser13Ala). This variant is not present in population databases (gnomAD no frequency). This variant has not been reported in the literature in individuals affected with LEMD3-related conditions. Invitae Evidence Modeling of protein sequence and biophysical properties (such as structural, functional, and spatial information, amino acid conservation, physicochemical variation, residue mobility, and thermodynamic stability) indicates that this missense variant is not expected to disrupt LEMD3 protein function with a negative predictive value of 80%. In summary, the available evidence is currently insufficient to determine the role of this variant in disease. Therefore, it has been classified as a Variant of Uncertain Significance.

NM_014319.5(LEMD3):c.37T>G (p.Ser13Ala)

Gene: LEMD3 (LEM domain containing 3; plus strand). Cytogenetic location: 12q14.3.
Variant type: single nucleotide variant.
Coding change: c.37T>G on transcript NM_014319.5 (MANE Select); coding-DNA position 37, T replaced by G.
Protein change: p.Ser13Ala; replaces serine 13 with alanine.
Molecular consequence: missense variant.
Genome position (GRCh38, 1-based): chr12:65,169,633, T>G. VCF-style: chr12-65169633-T-G. GRCh37 (hg19) VCF-style: chr12-65563413-T-G.
Other names: c.37T>G, p.Ser13Ala (NM_001167614.2); short protein forms S13A.
Identifiers: ClinVar variation 3608786 (VCV003608786.2).
Genomic context (GRCh38, chr12:65,169,633, plus strand): 5'-CTTGTAAAACACCCTGGAGAGAAAATGGCGGCGGCAGCAGCTTCGGCGCCTCAGCAGCTC[T>G]CGGATGAGGAGCTTTTCTCTCAGCTCCGCCGTTACGGCCTGTCTCCCGGACCAGTGACGG-3'
Protein context (NP_055134.2, residues 3-23): AAAASAPQQL[Ser13Ala]DEELFSQLRR